The following is an entry in ClinVar:

ClinVar aggregate classification (germline): Conflicting classifications of pathogenicity. Review status: criteria provided, conflicting classifications (1 of 4 stars). 3 submissions from 3 submitters: Uncertain significance (2); Likely benign (1). Last evaluated 2024-09-25.

Conditions:
Familial melanoma. Also called: Hereditary melanoma; Hereditary cutaneous melanoma. Identifiers: Orphanet 618, MedGen C1512419, MONDO:0018961.
Hereditary cancer-predisposing syndrome. Also called: Hereditary neoplastic syndrome; Hereditary Cancer Syndrome; Tumor predisposition; Neoplastic Syndromes, Hereditary. Identifiers: Orphanet 140162, MedGen C0027672, MeSH D009386, MONDO:0015356.
Melanoma, cutaneous malignant, susceptibility to, 3. Also called: Cutaneous malignant melanoma 3. Identifiers: Orphanet 618, MedGen C1836892, MONDO:0012183, OMIM 609048.

Allele frequency attached by ClinVar (database versions not stated): TOPMed below 0.00001.

Submissions (3):

Myriad Genetics, Inc.
Classification: Likely benign for Melanoma, cutaneous malignant, susceptibility to, 3. Last evaluated: 2024-09-25. Review status: criteria provided, single submitter. Criteria: Myriad Autosomal Dominant, Autosomal Recessive and X-Linked Classification Criteria (2023). Collection method: clinical testing. Allele origin: unknown.
Comment: This variant is considered likely benign. This variant is intronic and is not expected to impact mRNA splicing.

Labcorp Genetics (formerly Invitae), Labcorp
Classification: Uncertain significance for Familial melanoma. Last evaluated: 2023-09-14. Review status: criteria provided, single submitter. Criteria: Invitae Variant Classification Sherloc (09022015). Collection method: clinical testing. Allele origin: germline.
Comment: ClinVar contains an entry for this variant (Variation ID: 1522817). Variants that disrupt the consensus splice site are a relatively common cause of aberrant splicing (PMID: 17576681, 9536098). Algorithms developed to predict the effect of sequence changes on RNA splicing suggest that this variant is not likely to affect RNA splicing. This variant has not been reported in the literature in individuals affected with CDK4-related conditions. In summary, the available evidence is currently insufficient to determine the role of this variant in disease. Therefore, it has been classified as a Variant of Uncertain Significance. This variant is not present in population databases (gnomAD no frequency). This sequence change falls in intron 3 of the CDK4 gene. It does not directly change the encoded amino acid sequence of the CDK4 protein. It affects a nucleotide within the consensus splice site.

Ambry Genetics
Classification: Uncertain significance for Hereditary cancer-predisposing syndrome. Last evaluated: 2023-05-25. Review status: criteria provided, single submitter. Criteria: Ambry Variant Classification Scheme 2023. Collection method: clinical testing. Allele origin: germline.
Comment: The c.354+3G>A intronic variant results from a G to A substitution 3 nucleotides after coding exon 2 in the CDK4 gene. This nucleotide position is not well conserved in available vertebrate species. In silico splice site analysis predicts that this alteration will not have any significant effect on splicing. Since supporting evidence is limited at this time, the clinical significance of this alteration remains unclear.

Literature cited by the submitters: PubMed 17576681 (cited by Labcorp Genetics (formerly Invitae), Labcorp); PubMed 9536098 (cited by Labcorp Genetics (formerly Invitae), Labcorp).

NM_000075.4(CDK4):c.354+3G>A

Gene: CDK4 (cyclin dependent kinase 4; minus strand). Cytogenetic location: 12q14.1.
Variant type: single nucleotide variant.
Coding change: c.354+3G>A on transcript NM_000075.4 (MANE Select); 3 bases into the intron after coding-DNA position 354, G replaced by A.
Molecular consequence: intron variant.
Genome position (GRCh38, 1-based): chr12:57,751,204, C>T on the plus strand (G>A on the coding strand, the complement: CDK4 is on the minus strand). VCF-style: chr12-57751204-C-T. GRCh37 (hg19) VCF-style: chr12-58144987-C-T.
Other names: c.354+3G>A (NM_000075.3).
Identifiers: ClinVar variation 1522817 (VCV001522817.8), dbSNP rs746395249, ClinGen allele CA948106358.
Genomic context (GRCh38, chr12:57,751,204, plus strand): 5'-ATCCCAGAAGGTTCTACTACAAAGGTCCCAATCCACCTCTCAATGCCTACCAACCCCACT[C>T]ACCTTGATCGTTTCGGCTGGCAAGCCTGGTGGGGGTGCCTTGTCCAGATATGTCCTTAGG-3'